The following is an entry in ClinVar:

ClinVar aggregate classification (germline): Conflicting classifications of pathogenicity. Review status: criteria provided, conflicting classifications (1 of 4 stars). 2 submissions from 2 submitters: Uncertain significance (1); Likely benign (1). Last evaluated 2025-08-07.

Allele frequency attached by ClinVar (database versions not stated): ExAC 0.00215; 1000 Genomes Project 0.00260.

Submissions (2):

Ambry Genetics
Classification: Uncertain significance. Last evaluated: 2025-08-07. Review status: criteria provided, single submitter. Criteria: Ambry Variant Classification Scheme 2023. Collection method: clinical testing. Allele origin: germline.

CeGaT Center for Human Genetics Tuebingen
Classification: Likely benign. Last evaluated: 2024-01-01. Review status: criteria provided, single submitter. Criteria: CeGaT Center For Human Genetics Tuebingen Variant Classification Criteria Version 2. Collection method: clinical testing. Allele origin: germline. Affected: yes. Observed: 1 variant allele.
Comment: PRAMEF2: BS2

NM_023014.1(PRAMEF2):c.350C>G (p.Pro117Arg)

Genes: PRAMEF2 (PRAME family member 2; plus strand), LOC126805622 (CDK7 strongly-dependent group 2 enhancer GRCh37_chr1:12919058-12920257; plus strand). Cytogenetic location: 1p36.21.
Variant type: single nucleotide variant.
Coding change: c.350C>G on transcript NM_023014.1 (MANE Select); coding-DNA position 350, C replaced by G.
Protein change: p.Pro117Arg; replaces proline 117 with arginine.
Molecular consequence: missense variant.
Genome position (GRCh38, 1-based): chr1:12,859,755, C>G. VCF-style: chr1-12859755-C-G. GRCh37 (hg19) VCF-style: chr1-12919610-C-G.
Other names: short protein forms P117R.
Identifiers: ClinVar variation 3025684 (VCV003025684.23), dbSNP rs559620534, ClinGen allele CA607990.